The following is an entry in ClinVar:

NM_004366.6(CLCN2):c.1894G>T (p.Val632Leu)

Gene: CLCN2 (chloride voltage-gated channel 2; minus strand). Cytogenetic location: 3q27.1.
Variant type: single nucleotide variant.
Coding change: c.1894G>T on transcript NM_004366.6 (MANE Select); coding-DNA position 1894, G replaced by T.
Protein change: p.Val632Leu; replaces valine 632 with leucine.
Molecular consequence: missense variant.
Genome position (GRCh38, 1-based): chr3:184,353,384, C>A on the plus strand (G>T on the coding strand, the complement: CLCN2 is on the minus strand). VCF-style: chr3-184353384-C-A. GRCh37 (hg19) VCF-style: chr3-184071172-C-A.
Other names: c.1843G>T, p.Val615Leu (NM_001171087.3); c.1762G>T, p.Val588Leu (NM_001171088.3); c.1894G>T, p.Val632Leu (NM_001171089.3); short protein forms V588L, V615L, V632L.
Identifiers: ClinVar variation 2101853 (VCV002101853.4), dbSNP rs539170643, ClinGen allele CA355449035.
Genomic context (GRCh38, chr3:184,353,384, plus strand): 5'-GCTCCTGCATGTGCTGCCGCCGGCGGGCTGGGCTCAGCTGGGCCCCCAACAATGCCACCA[C>A]CTGTGAACGCTCGATGGAGCCCAGCAGAATCATGGACTCTGGACAGAACAGGTGGAAGGA-3'
Protein context (NP_004357.3, residues 622-642): ILLGSIERSQ[Val632Leu]VALLGAQLSP

ClinVar aggregate classification (germline): Uncertain significance (1 of 4 stars; one submission).

Allele frequency attached by ClinVar (database versions not stated): gnomAD exomes below 0.00001.

Submission:

Labcorp Genetics (formerly Invitae), Labcorp
Classification: Uncertain significance. Last evaluated: 2025-09-08. Review status: criteria provided, single submitter. Criteria: Invitae Variant Classification Sherloc (09022015). Collection method: clinical testing. Allele origin: germline.
Comment: This sequence change replaces valine, which is neutral and non-polar, with leucine, which is neutral and non-polar, at codon 632 of the CLCN2 protein (p.Val632Leu). This variant is not present in population databases (gnomAD no frequency). This variant has not been reported in the literature in individuals affected with CLCN2-related conditions. ClinVar contains an entry for this variant (Variation ID: 2101853). Invitae Evidence Modeling of protein sequence and biophysical properties (such as structural, functional, and spatial information, amino acid conservation, physicochemical variation, residue mobility, and thermodynamic stability) indicates that this missense variant is not expected to disrupt CLCN2 protein function with a negative predictive value of 95%. In summary, the available evidence is currently insufficient to determine the role of this variant in disease. Therefore, it has been classified as a Variant of Uncertain Significance.